The following is an entry in ClinVar:

NM_033087.4(ALG2):c.823C>G (p.Leu275Val)

Gene: ALG2 (ALG2 alpha-1,3/1,6-mannosyltransferase; minus strand). Cytogenetic location: 9q22.33.
Variant type: single nucleotide variant.
Coding change: c.823C>G on transcript NM_033087.4 (MANE Select); coding-DNA position 823, C replaced by G.
Protein change: p.Leu275Val; replaces leucine 275 with valine.
Molecular consequence: missense variant. On other transcripts: non-coding transcript variant (1).
Genome position (GRCh38, 1-based): chr9:99,218,362, G>C on the plus strand (C>G on the coding strand, the complement: ALG2 is on the minus strand). VCF-style: chr9-99218362-G-C. GRCh37 (hg19) VCF-style: chr9-101980644-G-C.
Other names: short protein forms L275V.
Identifiers: ClinVar variation 3763096 (VCV003763096.2).

ClinVar aggregate classification (germline): Uncertain significance (1 of 4 stars; one submission).

Conditions:
Congenital disorder of glycosylation, type Ii. Also called: ALG2-CDG; ALG2-congenital disorder of glycosylation; CDG Ii. Identifiers: Orphanet 79326, MedGen C1842836, MONDO:0011933, OMIM 607906.
Congenital myasthenic syndrome 14. Also called: Myasthenic syndrome, congenital, 14, with tubular aggregates. Identifiers: Orphanet 353327, Orphanet 590, MedGen C4015597, MONDO:0014543, OMIM 616228.

Submission:

Labcorp Genetics (formerly Invitae), Labcorp
Classification: Uncertain significance for Congenital disorder of glycosylation, type Ii; Congenital myasthenic syndrome 14. Last evaluated: 2024-04-09. Review status: criteria provided, single submitter. Criteria: Invitae Variant Classification Sherloc (09022015). Collection method: clinical testing. Allele origin: germline.
Comment: This sequence change replaces leucine, which is neutral and non-polar, with valine, which is neutral and non-polar, at codon 275 of the ALG2 protein (p.Leu275Val). This variant is not present in population databases (gnomAD no frequency). This variant has not been reported in the literature in individuals affected with ALG2-related conditions. An algorithm developed to predict the effect of missense changes on protein structure and function (PolyPhen-2) suggests that this variant is likely to be tolerated. In summary, the available evidence is currently insufficient to determine the role of this variant in disease. Therefore, it has been classified as a Variant of Uncertain Significance.